The following is an entry in ClinVar:

ClinVar aggregate classification (germline): Uncertain significance (1 of 4 stars; one submission).

Conditions:
Hereditary cancer-predisposing syndrome. Also called: Tumor predisposition; Hereditary neoplastic syndrome; Neoplastic Syndromes, Hereditary; Hereditary Cancer Syndrome. Identifiers: Orphanet 140162, MedGen C0027672, MeSH D009386, MONDO:0015356.

Submission:

Ambry Genetics
Classification: Uncertain significance for Hereditary cancer-predisposing syndrome. Last evaluated: 2025-04-20. Review status: criteria provided, single submitter. Criteria: Ambry Variant Classification Scheme 2023. Collection method: clinical testing. Allele origin: germline.
Comment: The p.P602A variant (also known as c.1804C>G), located in coding exon 12 of the CTNNA1 gene, results from a C to G substitution at nucleotide position 1804. The proline at codon 602 is replaced by alanine, an amino acid with highly similar properties. This amino acid position is conserved. In addition, this alteration is predicted to be tolerated by in silico analysis. Based on the available evidence, the clinical significance of this variant remains unclear.

NM_001903.5(CTNNA1):c.1804C>G (p.Pro602Ala)

Gene: CTNNA1 (catenin alpha 1; plus strand). Cytogenetic location: 5q31.2.
Variant type: single nucleotide variant.
Coding change: c.1804C>G on transcript NM_001903.5 (MANE Select); coding-DNA position 1804, C replaced by G.
Protein change: p.Pro602Ala; replaces proline 602 with alanine.
Molecular consequence: missense variant.
Genome position (GRCh38, 1-based): chr5:138,925,312, C>G. VCF-style: chr5-138925312-C-G. GRCh37 (hg19) VCF-style: chr5-138261001-C-G.
Other names: c.694C>G, p.Pro232Ala (NM_001323988.1, NM_001323989.1, NM_001323990.1 and 17 more transcripts); c.1804C>G, p.Pro602Ala (NM_001290307.3, NM_001323982.2, NM_001323983.1 and 2 more transcripts); c.1495C>G, p.Pro499Ala (NM_001290309.3); c.1435C>G, p.Pro479Ala (NM_001290310.3); c.1711C>G, p.Pro571Ala (NM_001323986.2); c.355C>G, p.Pro119Ala (NM_001324006.1, NM_001324007.1, NM_001324008.1 and 2 more transcripts); c.601C>G, p.Pro201Ala (NM_001324011.1); c.451C>G, p.Pro151Ala (NM_001324012.1, NM_001324013.1); short protein forms P602A, P119A, P201A, P232A, P499A, P151A, P479A, P571A.
Identifiers: ClinVar variation 4007954 (VCV004007954.1).